The following is an entry in ClinVar:

ClinVar aggregate classification (germline): Benign/Likely benign. Review status: criteria provided, multiple submitters, no conflicts (2 of 4 stars). 3 submissions from 3 submitters: Benign (1); Likely benign (2). Last evaluated 2025-12-23.

Conditions:
Hereditary nonpolyposis colorectal neoplasms. Identifiers: MedGen C0009405, MeSH D003123.
Hereditary cancer-predisposing syndrome. Also called: Neoplastic Syndromes, Hereditary; Tumor predisposition; Hereditary Cancer Syndrome; Hereditary neoplastic syndrome. Identifiers: Orphanet 140162, MedGen C0027672, MeSH D009386, MONDO:0015356.
Lynch syndrome 5 (LYNCH5). Also called: Colorectal cancer, hereditary nonpolyposis, type 5; Hereditary non-polyposis colorectal cancer, type 5. Identifiers: Orphanet 144, MedGen C1833477, MONDO:0013710, OMIM 614350. Disease mechanism: loss of function.

Allele frequency attached by ClinVar (database versions not stated): TOPMed below 0.00001; gnomAD 0.00003.

Submissions (3):

Labcorp Genetics (formerly Invitae), Labcorp
Classification: Likely benign for Hereditary nonpolyposis colorectal neoplasms. Last evaluated: 2025-12-23. Review status: criteria provided, single submitter. Criteria: Invitae Variant Classification Sherloc (09022015). Collection method: clinical testing. Allele origin: germline.

Myriad Genetics, Inc.
Classification: Benign for Lynch syndrome 5. Last evaluated: 2024-12-31. Review status: criteria provided, single submitter. Criteria: Myriad Autosomal Dominant, Autosomal Recessive and X-Linked Classification Criteria (2023). Collection method: clinical testing. Allele origin: unknown.
Comment: This variant is considered benign. This variant is a silent/synonymous amino acid change and it is not expected to impact splicing.

Ambry Genetics
Classification: Likely benign for Hereditary cancer-predisposing syndrome. Last evaluated: 2017-11-14. Review status: criteria provided, single submitter. Criteria: Ambry Variant Classification Scheme 2023. Collection method: clinical testing. Allele origin: germline.

NM_000179.3(MSH6):c.2376A>G (p.Leu792=)

Gene: MSH6 (mutS homolog 6; plus strand). Cytogenetic location: 2p16.3.
Variant type: single nucleotide variant.
Coding change: c.2376A>G on transcript NM_000179.3 (MANE Select); coding-DNA position 2376, A replaced by G.
Protein change: p.Leu792=; no amino-acid change (leucine 792 retained).
Molecular consequence: synonymous variant.
Genome position (GRCh38, 1-based): chr2:47,800,359, A>G. VCF-style: chr2-47800359-A-G. GRCh37 (hg19) VCF-style: chr2-48027498-A-G.
Other names: c.1986A>G, p.Leu662= (NM_001281492.2); c.1470A>G, p.Leu490= (NM_001281493.2, NM_001281494.2).
Identifiers: ClinVar variation 821181 (VCV000821181.14), dbSNP rs1247180558, ClinGen allele CA426121702.
Genomic context (GRCh38, chr2:47,800,359, plus strand): 5'-GCTCCTAAAGCAATGGCTTTGTGCCCCACTCTGTAACCATTATGCTATTAATGATCGTCT[A>G]GATGCCATAGAAGACCTCATGGTTGTGCCTGACAAAATCTCCGAAGTTGTAGAGCTTCTA-3'
Protein context (NP_000170.1, residues 782-802): LCNHYAINDR[Leu792=]DAIEDLMVVP